The following is an entry in ClinVar:

NM_031935.3(HMCN1):c.2118A>T (p.Val706=)

Gene: HMCN1 (hemicentin 1; plus strand). Cytogenetic location: 1q31.1.
Variant type: single nucleotide variant.
Coding change: c.2118A>T on transcript NM_031935.3 (MANE Select); coding-DNA position 2118, A replaced by T.
Protein change: p.Val706=; no amino-acid change (valine 706 retained).
Molecular consequence: synonymous variant.
Genome position (GRCh38, 1-based): chr1:185,965,821, A>T. VCF-style: chr1-185965821-A-T. GRCh37 (hg19) VCF-style: chr1-185934953-A-T.
Other names: c.2118A>T (NM_031935.2).
Identifiers: ClinVar variation 1902198 (VCV001902198.6), dbSNP rs1409679577, ClinGen allele CA422315448.

ClinVar aggregate classification (germline): Likely benign. Review status: criteria provided, multiple submitters, no conflicts (2 of 4 stars). 2 submissions from 2 submitters: Likely benign (2). Last evaluated 2025-12-09.

Conditions:
HMCN1-related disorder. Also called: HMCN1-related condition.

Allele frequency attached by ClinVar (database versions not stated): TOPMed 0.00001.
gnomAD v4.1: 5 of 1,609,488 alleles (0.00031%); highest among the groups gnomAD compares: Admixed American, 0.0033%; no homozygotes.

Submissions (2):

Labcorp Genetics (formerly Invitae), Labcorp
Classification: Likely benign. Last evaluated: 2025-12-09. Review status: criteria provided, single submitter. Criteria: Invitae Variant Classification Sherloc (09022015). Collection method: clinical testing. Allele origin: germline.

PreventionGenetics, part of Exact Sciences
Classification: Likely benign for HMCN1-related condition. Last evaluated: 2025-03-29. Review status: criteria provided, single submitter. Criteria: ACMG Guidelines, 2015. Collection method: clinical testing. Allele origin: germline.
Comment: This variant is classified as likely benign based on ACMG/AMP sequence variant interpretation guidelines (Richards et al. 2015 PMID: 25741868, with internal and published modifications).